The following is an entry in ClinVar:

ClinVar aggregate classification (germline): Pathogenic. Review status: criteria provided, multiple submitters, no conflicts (2 of 4 stars). 5 submissions from 5 submitters: Pathogenic (4). 1 of the submissions does not count toward it. Last evaluated 2026-09-14.

Conditions:
SPINK5-related disorder. Also called: SPINK5-related condition.
Ichthyosis linearis circumflexa. Identifiers: MedGen C0265962, MONDO:0043106, HP:0025810.
Netherton syndrome (NETH). Also called: ERYTHRODERMA, ICHTHYOSIFORM, WITH HYPOTRICHOSIS AND HYPER-IgE; COMEL-NETHERTON SYNDROME; NETHERTON DISEASE. Identifiers: Orphanet 634, MedGen C5574950, MONDO:0009735, OMIM 256500.

gnomAD v4.1: 21 of 1,613,924 alleles (0.0013%); highest among the groups gnomAD compares: East Asian, 0.0045%; no homozygotes.

Submissions (5):

PreventionGenetics, part of Exact Sciences
Classification: Pathogenic for SPINK5-related condition. Last evaluated: 2026-09-14. Review status: criteria provided, single submitter. Criteria: ACMG Guidelines, 2015. Collection method: clinical testing. Allele origin: germline.
Comment: The SPINK5 c.2368C>T variant is predicted to result in premature protein termination (p.Arg790*). This variant has been reported in both the homozygous and compound heterozygous state in multiple individuals with Netherton syndrome (Chavanas et al. 2000. PubMed ID: 10835624; Bitoun et al. 2002. PubMed ID: 11841556; Mizuno et al. 2005. PubMed ID: 16120162; Shimomura et al. 2005. PubMed ID: 16225619; Komatsu et al. 2007. PubMed ID: 17989726; Wang et al. 2022. PubMed ID: 36159989). This variant has not been reported in a large population database (gnomAD), indicating this variant is rare, and it is interpreted as pathogenic in the ClinVar database (Variation ID: 5266). Nonsense variants in SPINK5 are expected to be pathogenic. This variant is interpreted as pathogenic.

3billion
Classification: Pathogenic for Netherton syndrome. Last evaluated: 2025-07-21. Review status: criteria provided, single submitter. Criteria: ACMG Guidelines, 2015. Collection method: clinical testing. Allele origin: germline. Affected: yes.
Comment: The variant is observed at an extremely low frequency in the gnomAD v4.1.0 dataset (total allele frequency: 0.001%). Predicted Consequence/Location: Stop-gained (nonsense): predicted to result in a loss or disruption of normal protein function through nonsense-mediated decay (NMD) or protein truncation. Multiple pathogenic variants are reported downstream of the variant. The variant has been reported at least twice as pathogenic without evidence for the classification (ClinVar ID: VCV000005266 /PMID: 10835624). Therefore, this variant is classified as Pathogenic according to the recommendation of ACMG/AMP guideline.

Labcorp Genetics (formerly Invitae), Labcorp
Classification: Pathogenic for Ichthyosis linearis circumflexa. Last evaluated: 2024-11-18. Review status: criteria provided, single submitter. Criteria: Invitae Variant Classification Sherloc (09022015). Collection method: clinical testing. Allele origin: germline.
Comment: This sequence change creates a premature translational stop signal (p.Arg790*) in the SPINK5 gene. It is expected to result in an absent or disrupted protein product. Loss-of-function variants in SPINK5 are known to be pathogenic (PMID: 11511292, 11841556). This variant is not present in population databases (gnomAD no frequency). This premature translational stop signal has been observed in individual(s) with Netherton syndrome (PMID: 10835624). ClinVar contains an entry for this variant (Variation ID: 5266). For these reasons, this variant has been classified as Pathogenic.

GeneDx
Classification: Pathogenic. Last evaluated: 2023-07-25. Review status: criteria provided, single submitter. Criteria: GeneDx Variant Classification Process June 2021. Collection method: clinical testing. Allele origin: germline. Affected: yes.
Comment: Nonsense variant predicted to result in protein truncation or nonsense mediated decay in a gene for which loss of function is a known mechanism of disease; Not observed at significant frequency in large population cohorts (gnomAD); This variant is associated with the following publications: (PMID: 17415575, 25525159, 10835624, 16120162, 33534181, 37200480, 33773888, 11841556, 16225619, 15675955, 17989726, 24506793)

OMIM
Classification: Pathogenic for NETHERTON SYNDROME. Last evaluated: 2000-06-01. Review status: no assertion criteria provided. Collection method: literature only. Allele origin: germline. Not counted in ClinVar's aggregate classification.

Literature cited by the submitters: PubMed 10835624 (cited by 3 submitters); PubMed 11511292 (cited by Labcorp Genetics (formerly Invitae), Labcorp); PubMed 11841556 (cited by Labcorp Genetics (formerly Invitae), Labcorp).

NM_006846.4(SPINK5):c.2368C>T (p.Arg790Ter)

Gene: SPINK5 (serine peptidase inhibitor Kazal type 5; plus strand). Cytogenetic location: 5q32.
Variant type: single nucleotide variant.
Coding change: c.2368C>T on transcript NM_006846.4 (MANE Select); coding-DNA position 2368, C replaced by T.
Protein change: p.Arg790Ter; replaces arginine 790 with a stop codon.
Molecular consequence: nonsense.
Genome position (GRCh38, 1-based): chr5:148,120,063, C>T. VCF-style: chr5-148120063-C-T. GRCh37 (hg19) VCF-style: chr5-147499626-C-T.
Other names: c.2368C>T, p.Arg790Ter (NM_001127698.2, NM_001127699.2); c.2368C>T (NM_006846.3); short protein forms R790*.
Identifiers: ClinVar variation 5266 (VCV000005266.9), dbSNP rs121908387, ClinGen allele CA117360.